The following is an entry in ClinVar:

NM_005359.6(SMAD4):c.553C>A (p.Pro185Thr)

Gene: SMAD4 (SMAD family member 4; plus strand). Cytogenetic location: 18q21.2.
Variant type: single nucleotide variant.
Coding change: c.553C>A on transcript NM_005359.6 (MANE Select); coding-DNA position 553, C replaced by A.
Protein change: p.Pro185Thr; replaces proline 185 with threonine.
Molecular consequence: missense variant.
Genome position (GRCh38, 1-based): chr18:51,054,879, C>A. VCF-style: chr18-51054879-C-A. GRCh37 (hg19) VCF-style: chr18-48581249-C-A.
Other names: c.553C>A, p.Pro185Thr (NM_001407041.1, NM_001407042.1, NM_001407043.1); short protein forms P185T.
Identifiers: ClinVar variation 1748182 (VCV001748182.8), dbSNP rs2144418704, ClinGen allele CA402460943.

ClinVar aggregate classification (germline): Uncertain significance. Review status: criteria provided, multiple submitters, no conflicts (2 of 4 stars). 2 submissions from 2 submitters: Uncertain significance (2). Last evaluated 2025-03-28.

Conditions:
Familial thoracic aortic aneurysm and aortic dissection (TAAD). Also called: Thoracic aortic aneurysms and dissections. Identifiers: Orphanet 91387, MedGen C4707243, MONDO:0019625.
Hereditary cancer-predisposing syndrome. Also called: Neoplastic Syndromes, Hereditary; Tumor predisposition; Hereditary Cancer Syndrome; Hereditary neoplastic syndrome. Identifiers: Orphanet 140162, MedGen C0027672, MeSH D009386, MONDO:0015356.
Juvenile polyposis syndrome (JPS). Identifiers: Orphanet 2929, MedGen C0345893, MONDO:0017380, OMIM 174900.

gnomAD v4.1: 1 of 1,613,988 alleles (0.000062%); highest among the groups gnomAD compares: Non-Finnish European, 0.000085%; no homozygotes.

Submissions (2):

Ambry Genetics
Classification: Uncertain significance for Hereditary cancer-predisposing syndrome; Familial thoracic aortic aneurysm and aortic dissection. Last evaluated: 2025-03-28. Review status: criteria provided, single submitter. Criteria: Ambry Variant Classification Scheme 2023. Collection method: clinical testing. Allele origin: germline.
Comment: The p.P185T variant (also known as c.553C>A), located in coding exon 4 of the SMAD4 gene, results from a C to A substitution at nucleotide position 553. The proline at codon 185 is replaced by threonine, an amino acid with highly similar properties. This amino acid position is highly conserved in available vertebrate species. In addition, the in silico prediction for this alteration is inconclusive. Based on the available evidence, the clinical significance of this variant remains unclear.

Labcorp Genetics (formerly Invitae), Labcorp
Classification: Uncertain significance for Juvenile polyposis syndrome. Last evaluated: 2022-12-24. Review status: criteria provided, single submitter. Criteria: Invitae Variant Classification Sherloc (09022015). Collection method: clinical testing. Allele origin: germline.
Comment: This variant has not been reported in the literature in individuals affected with SMAD4-related conditions. This variant is not present in population databases (gnomAD no frequency). This sequence change replaces proline, which is neutral and non-polar, with threonine, which is neutral and polar, at codon 185 of the SMAD4 protein (p.Pro185Thr). ClinVar contains an entry for this variant (Variation ID: 1748182). In summary, the available evidence is currently insufficient to determine the role of this variant in disease. Therefore, it has been classified as a Variant of Uncertain Significance. Advanced modeling of protein sequence and biophysical properties (such as structural, functional, and spatial information, amino acid conservation, physicochemical variation, residue mobility, and thermodynamic stability) performed at Invitae indicates that this missense variant is not expected to disrupt SMAD4 protein function.